The following is an entry in ClinVar:

ClinVar aggregate classification (germline): Uncertain significance. Review status: criteria provided, single submitter (1 of 4 stars). 2 submissions from 1 submitter: Uncertain significance (2).

Conditions:
Transitory neonatal diabetes mellitus. Also called: Transient neonatal diabetes mellitus. Identifiers: MedGen C0342273, MONDO:0020525, HP:0008255.
Maturity-onset diabetes of the young (MODY). Also called: Maturity onset diabetes mellitus in young. Identifiers: Orphanet 552, MedGen C0342276, MONDO:0018911, HP:0004904.

gnomAD v4.1: 1 of 1,613,990 alleles (0.000062%); highest among the groups gnomAD compares: South Asian, 0.0011%; no homozygotes.

Submissions (2):

Clinical Genomics, Uppaluri K&H Personalized Medicine Clinic
Classification: Uncertain significance for Transitory neonatal diabetes mellitus. Review status: criteria provided, single submitter. Criteria: K & H Uppaluri Personalized Medicine Clinic Variant Classification & Assertion Criteria_Updated V.1. Collection method: research. Allele origin: somatic. Inheritance: Somatic mutation.
Comment: Mutations in ABCC8 gene are associated with both neonatal diabetes mellitus as well as MODY. Patients with this mutation may have a better response to sulfonylureas. However, no sufficient evidence is found to ascertain the role of this particular variant (rs750430789) in neonatal diabetes yet.

Clinical Genomics, Uppaluri K&H Personalized Medicine Clinic
Classification: Uncertain significance for Maturity-onset diabetes of the young. Review status: criteria provided, single submitter. Criteria: K & H Uppaluri Personalized Medicine Clinic Variant Classification & Assertion Criteria_Updated V.1. Collection method: research. Allele origin: somatic. Inheritance: Somatic mutation.
Comment: Mutations in ABCC8 gene are associated with both neonatal diabetes mellitus as well as MODY. Patients with this mutation may have a better response to sulfonylureas. However, no sufficient evidence is found to ascertain the role of this particular variant (rs750430789) in MODY yet.

Literature cited by the submitters: PubMed 16885549; PubMed 21989597; PubMed 27538677; PubMed 18981553; PubMed 32027066; PubMed 16613899; PubMed 18025408; PubMed 32792356.

NM_000352.6(ABCC8):c.3318A>C (p.Leu1106=)

Gene: ABCC8 (ATP binding cassette subfamily C member 8; minus strand). Cytogenetic location: 11p15.1.
Variant type: single nucleotide variant.
Coding change: c.3318A>C on transcript NM_000352.6 (MANE Select); coding-DNA position 3318, A replaced by C.
Protein change: p.Leu1106=; no amino-acid change (leucine 1106 retained).
Molecular consequence: synonymous variant. On other transcripts: non-coding transcript variant (1).
Genome position (GRCh38, 1-based): chr11:17,406,633, T>G on the plus strand (A>C on the coding strand, the complement: ABCC8 is on the minus strand). VCF-style: chr11-17406633-T-G. GRCh37 (hg19) VCF-style: chr11-17428180-T-G.
Other names: c.3321A>C, p.Leu1107= (NM_001287174.3); c.3384A>C, p.Leu1128= (NM_001351295.2); c.3318A>C, p.Leu1106= (NM_001351296.2); c.3315A>C, p.Leu1105= (NM_001351297.2).
Identifiers: ClinVar variation 1687630 (VCV001687630.1), dbSNP rs750430789, ClinGen allele CA5902869.